The following is an entry in ClinVar:

NM_001330260.2(SCN8A):c.1941C>T (p.Gly647=)

Gene: SCN8A (sodium voltage-gated channel alpha subunit 8; plus strand). Cytogenetic location: 12q13.13.
Variant type: single nucleotide variant.
Coding change: c.1941C>T on transcript NM_001330260.2 (MANE Select); coding-DNA position 1941, C replaced by T.
Protein change: p.Gly647=; no amino-acid change (glycine 647 retained).
Molecular consequence: synonymous variant.
Genome position (GRCh38, 1-based): chr12:51,721,851, C>T. VCF-style: chr12-51721851-C-T. GRCh37 (hg19) VCF-style: chr12-52115635-C-T.
Other names: c.1941C>T, p.Gly647= (NM_001177984.3, NM_001369788.1, NM_014191.4).
Identifiers: ClinVar variation 2498559 (VCV002498559.28), dbSNP rs2540204478, ClinGen allele CA480096984.

ClinVar aggregate classification (germline): Likely benign (1 of 4 stars; one submission).

Allele frequency attached by ClinVar (database versions not stated): gnomAD exomes below 0.00001.
gnomAD v4.1: 2 of 1,603,900 alleles (0.00012%); highest among the groups gnomAD compares: Non-Finnish European, 0.00017%; no homozygotes.

Submission:

CeGaT Center for Human Genetics Tuebingen
Classification: Likely benign. Last evaluated: 2023-02-01. Review status: criteria provided, single submitter. Criteria: CeGaT Center For Human Genetics Tuebingen Variant Classification Criteria Version 2. Collection method: clinical testing. Allele origin: germline. Affected: yes. Observed: 1 variant allele.
Comment: SCN8A: PM2:Supporting, BP4, BP7